The following is an entry in ClinVar:

NM_001203.3(BMPR1B):c.482T>C (p.Ile161Thr)

Gene: BMPR1B (bone morphogenetic protein receptor type 1B; plus strand). Cytogenetic location: 4q22.3.
Variant type: single nucleotide variant.
Coding change: c.482T>C on transcript NM_001203.3 (MANE Select); coding-DNA position 482, T replaced by C.
Protein change: p.Ile161Thr; replaces isoleucine 161 with threonine.
Molecular consequence: missense variant.
Genome position (GRCh38, 1-based): chr4:95,125,018, T>C. VCF-style: chr4-95125018-T-C. GRCh37 (hg19) VCF-style: chr4-96046169-T-C.
Other names: c.482T>C, p.Ile161Thr (NM_001256792.2, NM_001256794.1); c.572T>C, p.Ile191Thr (NM_001256793.2); short protein forms I161T, I191T.
Identifiers: ClinVar variation 4853268 (VCV004853268.1).
Genomic context (GRCh38, chr4:95,125,018, plus strand): 5'-ATTATCTTCATCTATCCATCTTTAGGTATAAAAGACAAGAAACCAGACCTCGATACAGCA[T>C]TGGGTTAGAACAGGATGAAACTTACATTCCTCCTGGAGAATCCCTGAGAGACTTAATTGA-3'
Protein context (NP_001194.1, residues 151-171): KRQETRPRYS[Ile161Thr]GLEQDETYIP

ClinVar aggregate classification (germline): Uncertain significance (1 of 4 stars; one submission).

gnomAD v4.1: 11 of 1,613,450 alleles (0.00068%); highest among the groups gnomAD compares: South Asian, 0.0011%; no homozygotes.

Submission:

Women's Health and Genetics/Laboratory Corporation of America, LabCorp
Classification: Uncertain significance. Last evaluated: 2026-05-12. Review status: criteria provided, single submitter. Criteria: LabCorp Variant Classification Summary - May 2015. Collection method: clinical testing. Allele origin: germline.
Comment: Variant summary: BMPR1B c.482T>C (p.Ile161Thr) results in a non-conservative amino acid change in the encoded protein sequence. Algorithms developed to predict the effect of missense changes on protein structure and function are either unavailable or do not agree on the potential impact of this missense change. The variant was absent in 250842 control chromosomes. The available data on variant occurrences in the general population are insufficient to allow any conclusion about variant significance. To our knowledge, no occurrence of c.482T>C in individuals affected with BMPR1B-related conditions and no experimental evidence demonstrating its impact on protein function have been reported. No submitters have cited clinical-significance assessments for this variant to ClinVar. Based on the evidence outlined above, the variant was classified as uncertain significance.